The following is an entry in ClinVar:

NM_004260.4(RECQL4):c.2721G>C (p.Gln907His)

Gene: RECQL4 (RecQ like helicase 4; minus strand). Cytogenetic location: 8q24.3.
Variant type: single nucleotide variant.
Coding change: c.2721G>C on transcript NM_004260.4 (MANE Select); coding-DNA position 2721, G replaced by C.
Protein change: p.Gln907His; replaces glutamine 907 with histidine.
Molecular consequence: missense variant. On other transcripts: non-coding transcript variant (3).
Genome position (GRCh38, 1-based): chr8:144,512,881, C>G on the plus strand (G>C on the coding strand, the complement: RECQL4 is on the minus strand). VCF-style: chr8-144512881-C-G. GRCh37 (hg19) VCF-style: chr8-145738264-C-G.
Other names: c.2427G>C, p.Gln809His (NM_001413017.1); c.2523G>C, p.Gln841His (NM_001413018.1); c.2721G>C, p.Gln907His (NM_001413019.1, NM_001413036.1); c.2625G>C, p.Gln875His (NM_001413020.1); c.1650G>C, p.Gln550His (NM_001413021.1, NM_001413022.1, NM_001413023.1 and 5 more transcripts); c.2592G>C, p.Gln864His (NM_001413025.1); c.1584G>C, p.Gln528His (NM_001413027.1, NM_001413030.1, NM_001413032.1 and 1 more transcripts); c.2370G>C, p.Gln790His (NM_001413029.1); and 6 more; short protein forms Q418H, Q506H, Q790H, Q897H, Q907H, Q528H, Q864H, Q484H.
Identifiers: ClinVar variation 3637998 (VCV003637998.2).

ClinVar aggregate classification (germline): Uncertain significance (1 of 4 stars; one submission).

Conditions:
Baller-Gerold syndrome (BGS). Also called: CRANIOSYNOSTOSIS WITH RADIAL DEFECTS. Identifiers: Orphanet 1225, MedGen C0265308, MONDO:0009039, OMIM 218600.

gnomAD v4.1: 1 of 1,596,700 alleles (0.000063%); highest among the groups gnomAD compares: Non-Finnish European, 0.000085%; no homozygotes.

Submission:

Labcorp Genetics (formerly Invitae), Labcorp
Classification: Uncertain significance for Baller-Gerold syndrome. Last evaluated: 2024-11-15. Review status: criteria provided, single submitter. Criteria: Invitae Variant Classification Sherloc (09022015). Collection method: clinical testing. Allele origin: germline.
Comment: This sequence change replaces glutamine, which is neutral and polar, with histidine, which is basic and polar, at codon 907 of the RECQL4 protein (p.Gln907His). This variant is not present in population databases (gnomAD no frequency). This variant has not been reported in the literature in individuals affected with RECQL4-related conditions. Invitae Evidence Modeling of protein sequence and biophysical properties (such as structural, functional, and spatial information, amino acid conservation, physicochemical variation, residue mobility, and thermodynamic stability) has been performed for this missense variant. However, the output from this modeling did not meet the statistical confidence thresholds required to predict the impact of this variant on RECQL4 protein function. In summary, the available evidence is currently insufficient to determine the role of this variant in disease. Therefore, it has been classified as a Variant of Uncertain Significance.